The following is an entry in ClinVar:

NM_001290043.2(TAP2):c.217_218del (p.Thr73fs)

Gene: TAP2 (transporter 2, ATP binding cassette subfamily B member; minus strand). Cytogenetic location: 6p21.32.
Variant type: Deletion.
Coding change: c.217_218del on transcript NM_001290043.2 (MANE Select); coding-DNA positions 217 to 218, 2 bases deleted (AC; older notation c.217_218delAC).
Protein change: p.Thr73fs; shifts the reading frame from threonine 73.
Molecular consequence: frameshift variant.
Genome position (GRCh38, 1-based): chr6:32,838,016-32,838,017, GT deleted on the plus strand (AC on the coding strand, the reverse complement: TAP2 is on the minus strand); deleting any 2 consecutive bases within chr6:32,838,016-32,838,018 gives the same sequence; the c. name uses the placement nearest the transcript's 3' end. VCF-style (leftmost placement, unchanged base first): chr6-32838015-GGT-G. GRCh37 (hg19) VCF-style: chr6-32805792-GGT-G.
Other names: c.217_218del, p.Thr73fs (NM_000544.3, NM_018833.3); short protein forms T73fs.
Identifiers: ClinVar variation 626224 (VCV000626224.2), dbSNP rs1321880935, ClinGen allele CA566697888.

ClinVar aggregate classification (germline): Likely pathogenic (1 of 4 stars; one submission).

Conditions:
MHC class I deficiency. Identifiers: Orphanet 34592, MedGen C6024714, MONDO:0011476.

Submission:

Center for Genomics, Ann and Robert H. Lurie Children's Hospital of Chicago
Classification: Likely pathogenic for MHC class I deficiency 1. Last evaluated: 2021-03-30. Review status: criteria provided, single submitter. Criteria: ACMG Guidelines, 2015. Collection method: clinical testing. Allele origin: germline.
Comment: TAP2 NM_000544.3 exon 2 p.Thr73Profs*93 (c.217_218del): This variant has not been reported in the literature but is present in 0.0009% (1/110218) of European alleles in the Genome Aggregation Database. Evolutionary conservation and computational predictive tools for this variant are limited or unavailable. This variant is a deletion of 2 nucleotides at amino acid position 73 and creates a premature stop codon 93 amino acids downstream from this location which results in an absent or abnormal protein. Although there is limited evidence, loss of function variants have been reported in association with disease for this gene. In summary, data on this variant is highly suspicious for disease, but requires further evidence for pathogenicity. Therefore, this variant is classified as Likely Pathogenic .